The following is an entry in ClinVar:

ClinVar aggregate classification (germline): Uncertain significance. Review status: criteria provided, multiple submitters, no conflicts (2 of 4 stars). 4 submissions from 4 submitters: Uncertain significance (4). Last evaluated 2025-09-01.

Conditions:
Inborn genetic diseases. Identifiers: MedGen C0950123, MeSH D030342.

Allele frequency attached by ClinVar (database versions not stated): ExAC 0.00006; gnomAD exomes 0.00007 and 0.00008; ESP Exome Variant Server 0.00008; TOPMed 0.00012; gnomAD 0.00014 and 0.00018.
gnomAD v4.1: 135 of 1,613,926 alleles (0.0084%); highest among the groups gnomAD compares: African/African-American, 0.047%; 1 homozygote.

Submissions (4):

CeGaT Center for Human Genetics Tuebingen
Classification: Uncertain significance. Last evaluated: 2025-09-01. Review status: criteria provided, single submitter. Criteria: CeGaT Center For Human Genetics Tuebingen Variant Classification Criteria Version 2. Collection method: clinical testing. Allele origin: germline. Affected: yes. Observed: 1 variant allele.

Blueprint Genetics
Classification: Uncertain significance. Last evaluated: 2024-04-24. Review status: criteria provided, single submitter. Criteria: ACMG Guidelines, 2015. Collection method: clinical testing. Allele origin: germline.

Ambry Genetics
Classification: Uncertain significance for Inborn genetic diseases. Last evaluated: 2022-11-10. Review status: criteria provided, single submitter. Criteria: Ambry Variant Classification Scheme 2023. Collection method: clinical testing. Allele origin: germline.

Labcorp Genetics (formerly Invitae), Labcorp
Classification: Uncertain significance. Last evaluated: 2022-08-12. Review status: criteria provided, single submitter. Criteria: Invitae Variant Classification Sherloc (09022015). Collection method: clinical testing. Allele origin: germline.
Comment: This sequence change replaces aspartic acid, which is acidic and polar, with asparagine, which is neutral and polar, at codon 719 of the AP3B2 protein (p.Asp719Asn). This variant is present in population databases (rs34200105, gnomAD 0.04%). This variant has not been reported in the literature in individuals affected with AP3B2-related conditions. ClinVar contains an entry for this variant (Variation ID: 1485085). Algorithms developed to predict the effect of missense changes on protein structure and function are either unavailable or do not agree on the potential impact of this missense change (SIFT: "Tolerated"; PolyPhen-2: "Possibly Damaging"; Align-GVGD: "Class C0"). In summary, the available evidence is currently insufficient to determine the role of this variant in disease. Therefore, it has been classified as a Variant of Uncertain Significance.

NM_001278512.2(AP3B2):c.2212G>A (p.Asp738Asn)

Genes: AP3B2 (adaptor related protein complex 3 subunit beta 2; minus strand), CPEB1-AS1 (CPEB1 antisense RNA 1; plus strand). Cytogenetic location: 15q25.2.
Variant type: single nucleotide variant.
Coding change: c.2212G>A on transcript NM_001278512.2 (MANE Select); coding-DNA position 2212, G replaced by A.
Protein change: p.Asp738Asn; replaces aspartic acid 738 with asparagine.
Molecular consequence: missense variant.
Genome position (GRCh38, 1-based): chr15:82,664,416, C>T on the plus strand (G>A on the coding strand, the complement: AP3B2 is on the minus strand). VCF-style: chr15-82664416-C-T. GRCh37 (hg19) VCF-style: chr15-83333168-C-T.
Other names: c.2059G>A, p.Asp687Asn (NM_001278511.2); c.2155G>A, p.Asp719Asn (NM_004644.5); c.2155G>A (NM_004644.3); short protein forms D687N, D738N, D719N.
Identifiers: ClinVar variation 1485085 (VCV001485085.12), dbSNP rs34200105, ClinGen allele CA7699985.